The following is an entry in ClinVar:

NM_003998.4(NFKB1):c.2414C>T (p.Ala805Val)

Gene: NFKB1 (nuclear factor kappa B subunit 1; plus strand). Cytogenetic location: 4q24.
Variant type: single nucleotide variant.
Coding change: c.2414C>T on transcript NM_003998.4 (MANE Select); coding-DNA position 2414, C replaced by T.
Protein change: p.Ala805Val; replaces alanine 805 with valine.
Molecular consequence: missense variant.
Genome position (GRCh38, 1-based): chr4:102,612,105, C>T. VCF-style: chr4-102612105-C-T. GRCh37 (hg19) VCF-style: chr4-103533262-C-T.
Other names: c.2411C>T, p.Ala804Val (NM_001165412.2, NM_001319226.2, NM_001382627.1); c.2414C>T, p.Ala805Val (NM_001382625.1, NM_001382626.1); c.2372C>T, p.Ala791Val (NM_001382628.1); short protein forms A791V, A804V, A805V.
Identifiers: ClinVar variation 1927558 (VCV001927558.5), dbSNP rs2476582875, ClinGen allele CA357754539.

ClinVar aggregate classification (germline): Uncertain significance (1 of 4 stars; one submission).

Allele frequency attached by ClinVar (database versions not stated): gnomAD exomes below 0.00001.
gnomAD v4.1: 1 of 1,613,502 alleles (0.000062%); highest among the groups gnomAD compares: Non-Finnish European, 0.000085%; no homozygotes.

Submission:

Labcorp Genetics (formerly Invitae), Labcorp
Classification: Uncertain significance. Last evaluated: 2022-04-08. Review status: criteria provided, single submitter. Criteria: Invitae Variant Classification Sherloc (09022015). Collection method: clinical testing. Allele origin: germline.
Comment: In summary, the available evidence is currently insufficient to determine the role of this variant in disease. Therefore, it has been classified as a Variant of Uncertain Significance. Algorithms developed to predict the effect of missense changes on protein structure and function output the following: SIFT: "Tolerated"; PolyPhen-2: "Benign"; Align-GVGD: "Class C0". The valine amino acid residue is found in multiple mammalian species, which suggests that this missense change does not adversely affect protein function. This variant has not been reported in the literature in individuals affected with NFKB1-related conditions. This variant is not present in population databases (gnomAD no frequency). This sequence change replaces alanine, which is neutral and non-polar, with valine, which is neutral and non-polar, at codon 805 of the NFKB1 protein (p.Ala805Val).